The following is an entry in ClinVar:

NM_000548.5(TSC2):c.5297C>T (p.Pro1766Leu)

Gene: TSC2 (TSC complex subunit 2; plus strand). Cytogenetic location: 16p13.3.
Variant type: single nucleotide variant.
Coding change: c.5297C>T on transcript NM_000548.5 (MANE Select); coding-DNA position 5297, C replaced by T.
Protein change: p.Pro1766Leu; replaces proline 1766 with leucine.
Molecular consequence: missense variant.
Genome position (GRCh38, 1-based): chr16:2,088,483, C>T. VCF-style: chr16-2088483-C-T. GRCh37 (hg19) VCF-style: chr16-2138484-C-T.
Other names: c.5096C>T, p.Pro1699Leu (NM_001077183.3); c.5228C>T, p.Pro1743Leu (NM_001114382.3); c.4988C>T, p.Pro1663Leu (NM_001318827.2); c.4952C>T, p.Pro1651Leu (NM_001318829.2); c.4565C>T, p.Pro1522Leu (NM_001318831.2); c.5129C>T, p.Pro1710Leu (NM_001318832.2); c.5099C>T, p.Pro1700Leu (NM_001363528.2); c.5165C>T, p.Pro1722Leu (NM_001370404.1); and 3 more; short protein forms P1766L, P1651L, P1699L, P1700L, P1722L, P1663L, P1719L, P1723L.
Identifiers: ClinVar variation 535888 (VCV000535888.26), dbSNP rs748936673, ClinGen allele CA276759930.

ClinVar aggregate classification (germline): Conflicting classifications of pathogenicity. Review status: criteria provided, conflicting classifications (1 of 4 stars). 8 submissions from 8 submitters: Uncertain significance (6); Benign (1); Likely benign (1). Last evaluated 2026-03-30.

Conditions:
Hereditary cancer-predisposing syndrome. Also called: Tumor predisposition; Hereditary neoplastic syndrome; Neoplastic Syndromes, Hereditary; Hereditary Cancer Syndrome. Identifiers: Orphanet 140162, MedGen C0027672, MeSH D009386, MONDO:0015356.
Lymphangiomyomatosis (LAM). Also called: Lymphangioleiomyomatosis; Lymphangioleiomyomatosis, somatic. Identifiers: Orphanet 538, MedGen C0751674, MONDO:0011705, OMIM 606690.
Isolated focal cortical dysplasia type II (FCORD2). Also called: Focal cortical dysplasia type II; CORTICAL DYSPLASIA OF TAYLOR. Identifiers: Orphanet 268994, MedGen C1846385, MONDO:0011818, OMIM 607341, HP:0032051.
Tuberous sclerosis 2 (TSC2). Identifiers: Orphanet 805, MedGen C1860707, MONDO:0013199, OMIM 613254.
Tuberous sclerosis syndrome (TSC). Also called: Tuberous Sclerosis Complex; Tuberous sclerosis. Identifiers: Orphanet 805, MedGen C0041341, MONDO:0001734.

Allele frequency attached by ClinVar (database versions not stated): TOPMed 0.00002.
gnomAD v4.1: 6 of 1,612,950 alleles (0.00037%); highest among the groups gnomAD compares: Middle Eastern, 0.049%; no homozygotes.

Submissions (8):

Ambry Genetics
Classification: Likely benign for Hereditary cancer-predisposing syndrome. Last evaluated: 2026-03-30. Review status: criteria provided, single submitter. Criteria: Ambry Variant Classification Scheme 2023. Collection method: clinical testing. Allele origin: germline.

Labcorp Genetics (formerly Invitae), Labcorp
Classification: Benign for Tuberous sclerosis 2. Last evaluated: 2026-02-02. Review status: criteria provided, single submitter. Criteria: Invitae Variant Classification Sherloc (09022015). Collection method: clinical testing. Allele origin: germline.

GeneDx
Classification: Uncertain significance. Last evaluated: 2025-09-25. Review status: criteria provided, single submitter. Criteria: GeneDx Variant Classification Process June 2021. Collection method: clinical testing. Allele origin: germline. Affected: yes.
Comment: In silico analysis supports that this missense variant has a deleterious effect on protein structure/function; Has not been previously published as pathogenic or benign to our knowledge

St. Jude Molecular Pathology, St. Jude Children's Research Hospital
Classification: Uncertain significance for Tuberous sclerosis 2. Last evaluated: 2025-06-17. Review status: criteria provided, single submitter. Criteria: St. Jude Assertion Criteria 2020. Collection method: clinical testing. Allele origin: germline.
Comment: The TSC2 c.5297C>T p.(Pro1766Leu) missense change has a maximum subpopulation frequency of 0.0029% in gnomAD v2.1.1. The in silico tool REVEL is inconclusive about a pathogenic or benign effect of this variant on protein function, and to our knowledge functional studies have not been performed. To our knowledge, this variant has not been reported in individuals with tuberous sclerosis complex. In summary, the evidence currently available is insufficient to determine the clinical significance of this variant. It has therefore been classified as of uncertain significance.

Johns Hopkins Genomics, Johns Hopkins University
Classification: Uncertain significance for Tuberous sclerosis 2. Last evaluated: 2024-12-26. Review status: criteria provided, single submitter. Criteria: ACMG Guidelines, 2015. Collection method: clinical testing. Allele origin: germline.
Comment: This TSC2 missense variant (rs748936673) is rare (<0.1%) in large population dataset (gnomAD v.4.1.0: 6/1612950 total alleles, 0.0004%, 0 homozygotes), and has been reported in ClinVar (Variation ID: 535888). Two bioinformatic tools queried predict that this variant would be likely damaging to the protein, and the proline residue at this position is evolutionary conserved in most species assessed. We consider the clinical significance of c.5297C>T in TSC2 to be uncertain at this time.

Fulgent Genetics
Classification: Uncertain significance for Lymphangiomyomatosis; Isolated focal cortical dysplasia type II; Tuberous sclerosis 2. Last evaluated: 2024-04-09. Review status: criteria provided, single submitter. Criteria: ACMG Guidelines, 2015. Collection method: clinical testing. Allele origin: germline.

All of Us Research Program, National Institutes of Health
Classification: Uncertain significance for Tuberous sclerosis syndrome. Last evaluated: 2023-07-19. Review status: criteria provided, single submitter. Criteria: ACMG Guidelines, 2015. Collection method: clinical testing. Allele origin: germline. Inheritance: Autosomal dominant inheritance. Observed: 1 variant allele, 1 heterozygote.
Comment: This missense variant replaces proline with leucine at codon 1766 of the TSC2 protein. Computational prediction is inconclusive regarding the impact of this variant on protein structure and function (internally defined REVEL score threshold 0.5 < inconclusive < 0.7, PMID: 27666373). To our knowledge, functional studies have not been reported for this variant. This variant has not been reported in individuals affected with TSC2-related disorders in the literature. This variant has been identified in 1/250264 chromosomes in the general population by the Genome Aggregation Database (gnomAD). The available evidence is insufficient to determine the role of this variant in disease conclusively. Therefore, this variant is classified as a Variant of Uncertain Significance.

This study involves interpretation of variants in research participants for the purpose of population health screening. Participant phenotype was not available at the time of variant classification. Additional details can be found in publication PMID: 35346344, PMCID: PMC8962531

Genome-Nilou Lab
Classification: Uncertain significance for Tuberous sclerosis 2. Last evaluated: 2021-11-07. Review status: criteria provided, single submitter. Criteria: ACMG Guidelines, 2015. Collection method: clinical testing. Allele origin: germline. Affected: no.

Literature cited by the submitters: PubMed 28518168 (cited by Ambry Genetics); PubMed 32461654 (cited by Ambry Genetics).